The following is an entry in ClinVar:

ClinVar aggregate classification (germline): Uncertain significance (1 of 4 stars; one submission).

Submission:

GeneDx
Classification: Uncertain significance. Last evaluated: 2022-03-15. Review status: criteria provided, single submitter. Criteria: GeneDx Variant Classification Process June 2021. Collection method: clinical testing. Allele origin: germline. Affected: yes.
Comment: Not observed at significant frequency in large population cohorts (gnomAD); Frameshift variant predicted to result in protein truncation or nonsense mediated decay in a gene for which loss-of-function is a known mechanism of disease; Has not been previously published as pathogenic or benign to our knowledge; Variants in candidate genes are classified as variants of uncertain significance in accordance with ACMG guidelines (Richards et al., 2015)

NM_015030.2(FRYL):c.4681dup (p.His1561fs)

Gene: FRYL (FRY like transcription coactivator; minus strand). Cytogenetic location: 4p11.
Variant type: Duplication.
Coding change: c.4681dup on transcript NM_015030.2 (MANE Select); coding-DNA position 4681, one base duplicated (C; older notation c.4681dupC).
Protein change: p.His1561fs; shifts the reading frame from histidine 1561.
Molecular consequence: frameshift variant.
Genome position (GRCh38, 1-based): chr4:48,549,576, G duplicated on the plus strand (C on the coding strand, the reverse complement: FRYL is on the minus strand). VCF-style (leftmost placement, unchanged base first): chr4-48549575-T-TG. GRCh37 (hg19) VCF-style: chr4-48551592-T-TG.
Other names: short protein forms H1561fs.
Identifiers: ClinVar variation 3342464 (VCV003342464.1).
Genomic context (GRCh38, chr4:48,549,575, plus strand): 5'-TCCACCAGTGGTGACCAGCAGCCTCCAGCTGGTGGGAAGGGCAGTGGCTCTCCTTGGTTA[T>TG]GCTCCATCACTTTCAGTCGCCAATTAGAATAAAGTGGCATTGAATCACCTATCAAGATAA-3'